The following is an entry in ClinVar:

ClinVar aggregate classification (germline): Pathogenic. Review status: criteria provided, multiple submitters, no conflicts (2 of 4 stars). 6 submissions from 6 submitters: Pathogenic (5). 1 of the submissions does not count toward it. Last evaluated 2025-07-25.

Conditions:
F8-related disorder. Also called: F8-related condition.
Hereditary factor VIII deficiency disease (HEMA). Also called: AUTOSOMAL HEMOPHILIA A; Hemophilia A, congenital; HEM A; Factor 8 deficiency, congenital; Hemophilia A; HEMOPHILIA, CLASSIC. Identifiers: Orphanet 98878, MedGen C0019069, MONDO:0010602, OMIM 306700.

Allele frequency attached by ClinVar (database versions not stated): TOPMed 0.00003.

Submissions (6):

PreventionGenetics, part of Exact Sciences
Classification: Pathogenic for F8-related condition. Last evaluated: 2025-07-25. Review status: criteria provided, single submitter. Criteria: ACMG Guidelines, 2015. Collection method: clinical testing. Allele origin: germline.
Comment: The F8 c.43C>T variant is predicted to result in premature protein termination (p.Arg15*). This variant is alternatively referred to as p.Arg-5* using legacy nomenclature. This variant has been reported in multiple individuals with Hemophilia A (see examples: Pattinson et al. 1990. PubMed ID: 1979502; supplementary table, Feng et al. 2020. PubMed ID: 33245802; supplementary table A, Chen et al. 2021. PubMed ID: 33706050; Azadmehr et al. 2021. PubMed ID: 35014236). This variant has not been reported in a large population database (gnomAD), indicating this variant is rare. Nonsense variants in F8 are expected to be pathogenic. This variant is interpreted as pathogenic.

Myriad Genetics, Inc.
Classification: Pathogenic for Hereditary factor VIII deficiency disease. Last evaluated: 2025-01-16. Review status: criteria provided, single submitter. Criteria: Myriad Autosomal Dominant, Autosomal Recessive and X-Linked Classification Criteria (2023). Collection method: clinical testing. Allele origin: unknown.
Comment: NM_000132.3(F8):c.43C>T(R15*) is a nonsense variant classified as pathogenic in the context of hemophilia A. R15* has been observed in cases with relevant disease (PMID: 39260745, 32026663, 20533009). Relevant functional assessments of this variant are not available in the literature. R15* has not been observed in referenced population frequency databases. In summary, NM_000132.3(F8):c.43C>T(R15*) is nonsense variant in a gene where loss of function is a known mechanism of disease, is predicted to disrupt protein function, and has been observed more frequently in cases with the relevant disease than in healthy populations. Please note: this variant was assessed in the context of healthy population screening.

3billion
Classification: Pathogenic for Hereditary factor VIII deficiency disease. Last evaluated: 2023-02-23. Review status: criteria provided, single submitter. Criteria: ACMG Guidelines, 2015. Collection method: clinical testing. Allele origin: unknown. Affected: yes.
Comment: The variant is not observed in the gnomAD v2.1.1 dataset. This variant was predicted to result in a loss or disruption of normal protein function through nonsense-mediated decay (NMD) or protein truncation. Multiple pathogenic variants are reported downstream of the variant. The variant has been reported at least twice as pathogenic without evidence for the classification (ClinVar ID: VCV000010152 / PMID: 1979502). Therefore, this variant is classified as Pathogenic according to the recommendation of ACMG/AMP guideline.

ARUP Laboratories, Molecular Genetics and Genomics, ARUP Laboratories
Classification: Pathogenic. Last evaluated: 2022-06-22. Review status: criteria provided, single submitter. Criteria: ARUP Molecular Germline Variant Investigation Process 2021. Collection method: clinical testing. Allele origin: germline.
Comment: The F8 c.43C>T; p.Arg15Ter variant (rs387906432), also known as -5 in legacy nomenclature, is reported in the literature in individuals with severe hemophilia A (Bogdanova 2005, Feng 2021, Pattinson 1990). This variant is also reported in ClinVar (Variation ID: 10152). It is absent from the Genome Aggregation Database, indicating it is not a common polymorphism. This variant induces an early termination codon and is predicted to result in a truncated protein or mRNA subject to nonsense-mediated decay. Based on available information, this variant is considered to be pathogenic. References: Bogdanova N et al. Spectrum of molecular defects and mutation detection rate in patients with severe hemophilia A. Hum Mutat. 2005 Sep;26(3):249-54. PMID: 16086318. Feng Y et al. Mutation analysis in the F8 gene in 485 families with haemophilia A and prenatal diagnosis in China. Haemophilia. 2021 Jan;27(1):e88-e92. PMID: 33245802. Pattinson JK et al. The molecular genetic analysis of hemophilia A: a directed search strategy for the detection of point mutations in the human factor VIII gene. Blood. 1990 Dec 1;76(11):2242-8. PMID: 1979502.

Mendelics
Classification: Pathogenic for Hereditary factor VIII deficiency disease. Last evaluated: 2019-05-28. Review status: criteria provided, single submitter. Criteria: Mendelics Assertion Criteria 2017. Collection method: clinical testing. Allele origin: unknown.

OMIM
Classification: Pathogenic for HEMOPHILIA A. Last evaluated: 1992-04-01. Review status: no assertion criteria provided. Collection method: literature only. Allele origin: germline. Not counted in ClinVar's aggregate classification.

Literature cited by the submitters: PubMed 20533009 (cited by Myriad Genetics, Inc.); PubMed 32026663 (cited by Myriad Genetics, Inc.); PubMed 39260745 (cited by Myriad Genetics, Inc.); PubMed 1979502 (cited by 3billion and OMIM); PubMed 1349567 (cited by OMIM).

NM_000132.4(F8):c.43C>T (p.Arg15Ter)

Gene: F8 (coagulation factor VIII; minus strand). Cytogenetic location: Xq28.
Variant type: single nucleotide variant.
Coding change: c.43C>T on transcript NM_000132.4 (MANE Select); coding-DNA position 43, C replaced by T.
Protein change: p.Arg15Ter; replaces arginine 15 with a stop codon.
Molecular consequence: nonsense.
Genome position (GRCh38, 1-based): chrX:155,022,510, G>A on the plus strand (C>T on the coding strand, the complement: F8 is on the minus strand). VCF-style: chrX-155022510-G-A. GRCh37 (hg19) VCF-style: chrX-154250785-G-A.
Other names: F8, ARG-5TER; short protein forms R15*.
Identifiers: ClinVar variation 10152 (VCV000010152.9), dbSNP rs387906432, ClinGen allele CA255044.